The following is an entry in ClinVar:

NM_012268.4(PLD3):c.1171T>C (p.Ser391Pro)

Gene: PLD3 (phospholipase D family member 3; plus strand). Cytogenetic location: 19q13.2.
Variant type: single nucleotide variant.
Coding change: c.1171T>C on transcript NM_012268.4 (MANE Select); coding-DNA position 1171, T replaced by C.
Protein change: p.Ser391Pro; replaces serine 391 with proline.
Molecular consequence: missense variant.
Genome position (GRCh38, 1-based): chr19:40,376,760, T>C. VCF-style: chr19-40376760-T-C. GRCh37 (hg19) VCF-style: chr19-40882667-T-C.
Other names: c.1171T>C, p.Ser391Pro (NM_001031696.4, NM_001291311.2); c.1171T>C (NM_012268.2); short protein forms S391P.
Identifiers: ClinVar variation 2171288 (VCV002171288.5), dbSNP rs780587128, ClinGen allele CA9442948.
Genomic context (GRCh38, chr19:40,376,760, plus strand): 5'-GAGCCATCCATGCGGGCCTTCCTGCTCTCTCTGGCTGCCCTGCGTGACAACCATACCCAC[T>C]CTGACATCCAGGTGGTAAGTACTGCCCCAAGCCACCCCTTGGCCCCTGTGTGGGGCAGTC-3'
Protein context (NP_036400.2, residues 381-401): LAALRDNHTH[Ser391Pro]DIQVKLFVVP

ClinVar aggregate classification (germline): Uncertain significance. Review status: criteria provided, multiple submitters, no conflicts (2 of 4 stars). 2 submissions from 2 submitters: Uncertain significance (2). Last evaluated 2025-07-28.

Allele frequency attached by ClinVar (database versions not stated): gnomAD 0.00003; TOPMed 0.00006; gnomAD exomes 0.00008; ExAC 0.00017.
gnomAD v4.1: 48 of 1,599,722 alleles (0.003%); highest among the groups gnomAD compares: Admixed American, 0.078%; no homozygotes.

Submissions (2):

Labcorp Genetics (formerly Invitae), Labcorp
Classification: Uncertain significance. Last evaluated: 2025-07-28. Review status: criteria provided, single submitter. Criteria: Invitae Variant Classification Sherloc (09022015). Collection method: clinical testing. Allele origin: germline.
Comment: This sequence change replaces serine, which is neutral and polar, with proline, which is neutral and non-polar, at codon 391 of the PLD3 protein (p.Ser391Pro). This variant is present in population databases (rs780587128, gnomAD 0.1%), and has an allele count higher than expected for a pathogenic variant. This variant has not been reported in the literature in individuals affected with PLD3-related conditions. ClinVar contains an entry for this variant (Variation ID: 2171288). An algorithm developed to predict the effect of missense changes on protein structure and function (PolyPhen-2) suggests that this variant is likely to be tolerated. In summary, the available evidence is currently insufficient to determine the role of this variant in disease. Therefore, it has been classified as a Variant of Uncertain Significance.

Ambry Genetics
Classification: Uncertain significance. Last evaluated: 2025-03-19. Review status: criteria provided, single submitter. Criteria: Ambry Variant Classification Scheme 2023. Collection method: clinical testing. Allele origin: germline.